The following is an entry in ClinVar:

NM_001367624.2(ZNF469):c.10939G>C (p.Glu3647Gln)

Gene: ZNF469 (zinc finger protein 469; plus strand). Cytogenetic location: 16q24.2.
Variant type: single nucleotide variant.
Coding change: c.10939G>C on transcript NM_001367624.2 (MANE Select); coding-DNA position 10939, G replaced by C.
Protein change: p.Glu3647Gln; replaces glutamic acid 3647 with glutamine.
Molecular consequence: missense variant.
Genome position (GRCh38, 1-based): chr16:88,438,409, G>C. VCF-style: chr16-88438409-G-C. GRCh37 (hg19) VCF-style: chr16-88504817-G-C.
Other names: NM_001127464.1:c.10855G>C; short protein forms E3647Q.
Identifiers: ClinVar variation 2465789 (VCV002465789.3), dbSNP rs1210608746, ClinGen allele CA397128563.

ClinVar aggregate classification (germline): Uncertain significance. Review status: criteria provided, multiple submitters, no conflicts (2 of 4 stars). 2 submissions from 2 submitters: Uncertain significance (2). Last evaluated 2026-03-25.

Conditions:
Cardiovascular phenotype. Identifiers: MedGen CN230736.

Allele frequency attached by ClinVar (database versions not stated): gnomAD 0.00001; gnomAD exomes 0.00003; TOPMed below 0.00001.
gnomAD v4.1: 42 of 1,550,020 alleles (0.0027%); highest among the groups gnomAD compares: Non-Finnish European, 0.0034%; no homozygotes.

Submissions (2):

GeneDx
Classification: Uncertain significance. Last evaluated: 2026-03-25. Review status: criteria provided, single submitter. Criteria: GeneDx Variant Classification Process June 2021. Collection method: clinical testing. Allele origin: germline.
Comment: Not observed at significant frequency in large population cohorts (gnomAD); In silico analysis suggests that this missense variant does not alter protein structure/function; Has not been previously published as pathogenic or benign to our knowledge

Ambry Genetics
Classification: Uncertain significance for Cardiovascular phenotype. Last evaluated: 2023-05-11. Review status: criteria provided, single submitter. Criteria: Ambry Variant Classification Scheme 2023. Collection method: clinical testing. Allele origin: germline.
Comment: The p.E3619Q variant (also known as c.10855G>C), located in coding exon 2 of the ZNF469 gene, results from a G to C substitution at nucleotide position 10855. The glutamic acid at codon 3619 is replaced by glutamine, an amino acid with highly similar properties. This amino acid position is conserved. In addition, this alteration is predicted to be tolerated by in silico analysis. Since supporting evidence is limited at this time, the clinical significance of this alteration remains unclear.